The following is an entry in ClinVar:

ClinVar aggregate classification (germline): Uncertain significance (1 of 4 stars; one submission).

Conditions:
Diffuse cerebral and cerebellar atrophy - intractable seizures - progressive microcephaly syndrome. Also called: Microcephaly, progressive, with seizures and cerebral and cerebellar atrophy. Identifiers: Orphanet 404437, MedGen C4014239, MONDO:0014335, OMIM 615760.

Allele frequency attached by ClinVar (database versions not stated): gnomAD 0.00001; TOPMed 0.00001.

Submission:

Labcorp Genetics (formerly Invitae), Labcorp
Classification: Uncertain significance for Diffuse cerebral and cerebellar atrophy - intractable seizures - progressive microcephaly syndrome. Last evaluated: 2021-09-02. Review status: criteria provided, single submitter. Criteria: Invitae Variant Classification Sherloc (09022015). Collection method: clinical testing. Allele origin: germline.
Comment: This sequence change replaces methionine with isoleucine at codon 171 of the QARS protein (p.Met171Ile). The methionine residue is moderately conserved and there is a small physicochemical difference between methionine and isoleucine. This variant is not present in population databases (ExAC no frequency). This variant has not been reported in the literature in individuals affected with QARS-related conditions. Algorithms developed to predict the effect of missense changes on protein structure and function (SIFT, PolyPhen-2, Align-GVGD) all suggest that this variant is likely to be tolerated. In summary, the available evidence is currently insufficient to determine the role of this variant in disease. Therefore, it has been classified as a Variant of Uncertain Significance.

NM_005051.3(QARS1):c.513G>A (p.Met171Ile)

Gene: QARS1 (glutaminyl-tRNA synthetase 1; minus strand). Cytogenetic location: 3p21.31.
Variant type: single nucleotide variant.
Coding change: c.513G>A on transcript NM_005051.3 (MANE Select); coding-DNA position 513, G replaced by A.
Protein change: p.Met171Ile; replaces methionine 171 with isoleucine.
Molecular consequence: missense variant. On other transcripts: non-coding transcript variant (1).
Genome position (GRCh38, 1-based): chr3:49,103,348, C>T on the plus strand (G>A on the coding strand, the complement: QARS1 is on the minus strand). VCF-style: chr3-49103348-C-T. GRCh37 (hg19) VCF-style: chr3-49140781-C-T.
Other names: c.480G>A, p.Met160Ile (NM_001272073.2); short protein forms M160I, M171I.
Identifiers: ClinVar variation 1026342 (VCV001026342.2), dbSNP rs1158546093, ClinGen allele CA352718359.
Genomic context (GRCh38, chr3:49,103,348, plus strand): 5'-CCAGGCTCTGTTCATGCCAGAGTCTTTGCCAGCTTCAGCTTAGTGAAGCACGCTCACCTG[C>T]ATGTCCACTTCATTCTTGATCATTTTGCCATCTGCCCACTTCAGCACAGCCCGAGCCTCT-3'
Protein context (NP_005042.1, residues 161-181): DGKMIKNEVD[Met171Ile]QVLHLLGPKL